The following is an entry in ClinVar:

NM_001367624.2(ZNF469):c.702C>T (p.Ser234=)

Gene: ZNF469 (zinc finger protein 469; plus strand). Cytogenetic location: 16q24.2.
Variant type: single nucleotide variant.
Coding change: c.702C>T on transcript NM_001367624.2 (MANE Select); coding-DNA position 702, C replaced by T.
Protein change: p.Ser234=; no amino-acid change (serine 234 retained).
Molecular consequence: synonymous variant.
Genome position (GRCh38, 1-based): chr16:88,428,172, C>T. VCF-style: chr16-88428172-C-T. GRCh37 (hg19) VCF-style: chr16-88494580-C-T.
Other names: NM_001127464.1:c.702C>T; NM_001127464.2:c.702C>T.
Identifiers: ClinVar variation 2564240 (VCV002564240.7), dbSNP rs1597206040, ClinGen allele CA497353212.

ClinVar aggregate classification (germline): Likely benign. Review status: criteria provided, multiple submitters, no conflicts (2 of 4 stars). 3 submissions from 3 submitters: Likely benign (2). 1 of the submissions does not count toward it. Last evaluated 2023-05-16.

Conditions:
ZNF469-related disorder. Also called: ZNF469-related condition.
Cardiovascular phenotype. Identifiers: MedGen CN230736.

Allele frequency attached by ClinVar (database versions not stated): gnomAD 0.00001.
gnomAD v4.1: 1 of 1,550,152 alleles (0.000065%); highest among the groups gnomAD compares: Admixed American, 0.002%; no homozygotes.

Submissions (3):

Labcorp Genetics (formerly Invitae), Labcorp
Classification: Likely benign. Last evaluated: 2023-05-16. Review status: criteria provided, single submitter. Criteria: Invitae Variant Classification Sherloc (09022015). Collection method: clinical testing. Allele origin: germline.

Ambry Genetics
Classification: Likely benign for Cardiovascular phenotype. Last evaluated: 2023-05-04. Review status: criteria provided, single submitter. Criteria: Ambry Variant Classification Scheme 2023. Collection method: clinical testing. Allele origin: germline.

PreventionGenetics, part of Exact Sciences
Classification: Likely benign for ZNF469-related condition. Last evaluated: 2022-05-11. Review status: no assertion criteria provided. Collection method: clinical testing. Allele origin: germline. Not counted in ClinVar's aggregate classification.
Comment: This variant is classified as likely benign based on ACMG/AMP sequence variant interpretation guidelines (Richards et al. 2015 PMID: 25741868, with internal and published modifications).